The following is an entry in ClinVar:

ClinVar aggregate classification (germline): Likely benign. Review status: criteria provided, multiple submitters, no conflicts (2 of 4 stars). 2 submissions from 2 submitters: Likely benign (2). Last evaluated 2026-06-21.

Conditions:
CHM-related disorder. Also called: CHM-related condition.

Allele frequency attached by ClinVar (database versions not stated): gnomAD 0.00001; TOPMed 0.00002.
gnomAD v4.1: 4 of 1,209,793 alleles (0.00033%); highest among the groups gnomAD compares: Non-Finnish European, 0.00011%; no homozygotes.

Submissions (2):

PreventionGenetics, part of Exact Sciences
Classification: Likely benign for CHM-related condition. Last evaluated: 2026-06-21. Review status: criteria provided, single submitter. Criteria: ACMG Guidelines, 2015. Collection method: clinical testing. Allele origin: germline.
Comment: This variant is classified as likely benign based on ACMG/AMP sequence variant interpretation guidelines (Richards et al. 2015 PMID: 25741868, with internal and published modifications).

Labcorp Genetics (formerly Invitae), Labcorp
Classification: Likely benign. Last evaluated: 2024-01-29. Review status: criteria provided, single submitter. Criteria: Invitae Variant Classification Sherloc (09022015). Collection method: clinical testing. Allele origin: germline.

NM_000390.4(CHM):c.525A>G (p.Thr175=)

Gene: CHM (CHM Rab escort protein; minus strand). Cytogenetic location: Xq21.2.
Variant type: single nucleotide variant.
Coding change: c.525A>G on transcript NM_000390.4 (MANE Select); coding-DNA position 525, A replaced by G.
Protein change: p.Thr175=; no amino-acid change (threonine 175 retained).
Molecular consequence: synonymous variant.
Genome position (GRCh38, 1-based): chrX:85,963,842, T>C on the plus strand (A>G on the coding strand, the complement: CHM is on the minus strand). VCF-style: chrX-85963842-T-C. GRCh37 (hg19) VCF-style: chrX-85218847-T-C.
Other names: c.81A>G, p.Thr27= (NM_001320959.1, NM_001362517.1, NM_001362518.2 and 1 more transcripts); c.525A>G (NM_000390.3).
Identifiers: ClinVar variation 1578614 (VCV001578614.9), dbSNP rs1309312767, ClinGen allele CA517723810.
Genomic context (GRCh38, chrX:85,963,842, plus strand): 5'-GTCTTCTGCTGAAGTTGATGGCACACAAGTTTTATCATCACAATGGTTTTCTTTTTCCCC[T>C]GTCACTTCAGCACCATTTACTTCTAGCGCATTCTCTGGATCGCTGCTTGGAGTTTGTTCT-3'
Protein context (NP_000381.1, residues 165-185): NALEVNGAEV[Thr175=]GEKENHCDDK